The following is an entry in ClinVar:

ClinVar aggregate classification (germline): Uncertain significance. Review status: criteria provided, multiple submitters, no conflicts (2 of 4 stars). 2 submissions from 2 submitters: Uncertain significance (2). Last evaluated 2025-12-02.

Conditions:
Inborn genetic diseases. Identifiers: MedGen C0950123, MeSH D030342.

gnomAD v4.1: 48 of 1,578,702 alleles (0.003%); highest among the groups gnomAD compares: South Asian, 0.054%; no homozygotes.

Submissions (2):

Ambry Genetics
Classification: Uncertain significance for Inborn genetic diseases. Last evaluated: 2025-12-02. Review status: criteria provided, single submitter. Criteria: Ambry Variant Classification Scheme 2023. Collection method: clinical testing. Allele origin: germline.

Labcorp Genetics (formerly Invitae), Labcorp
Classification: Uncertain significance. Last evaluated: 2024-09-06. Review status: criteria provided, single submitter. Criteria: Invitae Variant Classification Sherloc (09022015). Collection method: clinical testing. Allele origin: germline.
Comment: This sequence change replaces proline, which is neutral and non-polar, with serine, which is neutral and polar, at codon 3441 of the HSPG2 protein (p.Pro3441Ser). This variant is present in population databases (rs774685568, gnomAD 0.1%). This variant has not been reported in the literature in individuals affected with HSPG2-related conditions. An algorithm developed to predict the effect of missense changes on protein structure and function (PolyPhen-2) suggests that this variant is likely to be disruptive. In summary, the available evidence is currently insufficient to determine the role of this variant in disease. Therefore, it has been classified as a Variant of Uncertain Significance.

NM_005529.7(HSPG2):c.10321C>T (p.Pro3441Ser)

Gene: HSPG2 (heparan sulfate proteoglycan 2; minus strand). Cytogenetic location: 1p36.12.
Variant type: single nucleotide variant.
Coding change: c.10321C>T on transcript NM_005529.7 (MANE Select); coding-DNA position 10321, C replaced by T.
Protein change: p.Pro3441Ser; replaces proline 3441 with serine.
Molecular consequence: missense variant.
Genome position (GRCh38, 1-based): chr1:21,836,836, G>A on the plus strand (C>T on the coding strand, the complement: HSPG2 is on the minus strand). VCF-style: chr1-21836836-G-A. GRCh37 (hg19) VCF-style: chr1-22163329-G-A.
Other names: c.10324C>T, p.Pro3442Ser (NM_001291860.2); c.10321C>T (NM_005529.5); short protein forms P3442S, P3441S.
Identifiers: ClinVar variation 3716255 (VCV003716255.2).